The following is an entry in ClinVar:

ClinVar aggregate classification (germline): Uncertain significance. Review status: criteria provided, multiple submitters, no conflicts (2 of 4 stars). 3 submissions from 3 submitters: Uncertain significance (3). Last evaluated 2024-03-06.

Conditions:
Familial thoracic aortic aneurysm and aortic dissection (TAAD). Also called: Thoracic aortic aneurysms and dissections. Identifiers: Orphanet 91387, MedGen C4707243, MONDO:0019625.
Moyamoya disease 5 (MYMY5). Identifiers: Orphanet 2573, MedGen C3279690, MONDO:0013542, OMIM 614042.

Allele frequency attached by ClinVar (database versions not stated): TOPMed below 0.00001.

Submissions (3):

Color Diagnostics, LLC DBA Color Health
Classification: Uncertain significance for Familial thoracic aortic aneurysm and aortic dissection. Last evaluated: 2024-03-06. Review status: criteria provided, single submitter. Criteria: ACMG Guidelines, 2015. Collection method: clinical testing. Allele origin: germline.
Comment: This missense variant replaces isoleucine with threonine at codon 214 of the ACTA2 protein. Computational prediction suggests that this variant may have deleterious impact on protein structure and function (internally defined REVEL score threshold >= 0.7, PMID: 27666373). To our knowledge, functional studies have not been reported for this variant. This variant has not been reported in individuals affected with cardiovascular disorders in the literature. This variant has not been identified in the general population by the Genome Aggregation Database (gnomAD). The available evidence is insufficient to determine the role of this variant in disease conclusively. Therefore, this variant is classified as a Variant of Uncertain Significance.

All of Us Research Program, National Institutes of Health
Classification: Uncertain significance for Familial thoracic aortic aneurysm and aortic dissection. Last evaluated: 2023-11-28. Review status: criteria provided, single submitter. Criteria: ACMG Guidelines, 2015. Collection method: clinical testing. Allele origin: germline. Inheritance: Autosomal dominant inheritance. Observed: 1 variant allele, 1 heterozygote.
Comment: This missense variant replaces isoleucine with threonine at codon 214 of the ACTA2 protein. Computational prediction suggests that this variant may have deleterious impact on protein structure and function (internally defined REVEL score threshold >= 0.7, PMID: 27666373). To our knowledge, functional studies have not been reported for this variant. This variant has not been reported in individuals affected with cardiovascular disorders in the literature. This variant has not been identified in the general population by the Genome Aggregation Database (gnomAD). The available evidence is insufficient to determine the role of this variant in disease conclusively. Therefore, this variant is classified as a Variant of Uncertain Significance.

This study involves interpretation of variants in research participants for the purpose of population health screening. Participant phenotype was not available at the time of variant classification. Additional details can be found in publication PMID: 35346344, PMCID: PMC8962531

Centre for Mendelian Genomics, University Medical Centre Ljubljana
Classification: Uncertain significance for Moyamoya disease 5. Last evaluated: 2020-03-23. Review status: criteria provided, single submitter. Criteria: ACMG Guidelines, 2015. Collection method: clinical testing. Allele origin: unknown. Affected: yes.
Comment: This variant was classified as: Uncertain significance. The available evidence on this variant's pathogenicity is insufficient or conflicting. The following ACMG criteria were applied in classifying this variant: PM2,PP3.

NM_001613.4(ACTA2):c.641T>C (p.Ile214Thr)

Genes: ACTA2 (actin alpha 2, smooth muscle; minus strand), ACTA2-AS1 (ACTA2 antisense RNA 1; plus strand). Cytogenetic location: 10q23.31.
Variant type: single nucleotide variant.
Coding change: c.641T>C on transcript NM_001613.4 (MANE Select); coding-DNA position 641, T replaced by C.
Protein change: p.Ile214Thr; replaces isoleucine 214 with threonine.
Molecular consequence: missense variant. On other transcripts: non-coding transcript variant (1).
Genome position (GRCh38, 1-based): chr10:88,939,674, A>G on the plus strand (T>C on the coding strand, the complement: ACTA2 is on the minus strand). VCF-style: chr10-88939674-A-G. GRCh37 (hg19) VCF-style: chr10-90699431-A-G.
Other names: c.641T>C, p.Ile214Thr (NM_001141945.3, NM_001320855.2, NM_001406462.1 and 2 more transcripts); c.530T>C, p.Ile177Thr (NM_001406466.1); c.512T>C, p.Ile171Thr (NM_001406467.1, NM_001406468.1, NM_001406469.1); short protein forms I214T, I177T, I171T.
Identifiers: ClinVar variation 930272 (VCV000930272.8), dbSNP rs1845812659, ClinGen allele CA377511504.
Genomic context (GRCh38, chr10:88,939,674, plus strand): 5'-GATGCGGCAGTGGCCATCTCATTTTCAAAGTCCAGAGCTACATAACACAGTTTCTCCTTG[A>G]TGTCCCGGACAATCTCACGCTCAGCTGTCAACCAGATACAAACATTGTGGCAAACATTAG-3'
Protein context (NP_001604.1, residues 204-224): TTAEREIVRD[Ile214Thr]KEKLCYVALD